The following is an entry in ClinVar:

ClinVar aggregate classification (germline): Uncertain significance. Review status: criteria provided, multiple submitters, no conflicts (2 of 4 stars). 2 submissions from 2 submitters: Uncertain significance (2). Last evaluated 2023-08-17.

Allele frequency attached by ClinVar (database versions not stated): gnomAD exomes below 0.00001; gnomAD 0.00001; TOPMed 0.00001; ExAC 0.00003.
gnomAD v4.1: 4 of 1,605,890 alleles (0.00025%); highest among the groups gnomAD compares: African/African-American, 0.0013%; no homozygotes.

Submissions (2):

Labcorp Genetics (formerly Invitae), Labcorp
Classification: Uncertain significance. Last evaluated: 2023-08-17. Review status: criteria provided, single submitter. Criteria: Invitae Variant Classification Sherloc (09022015). Collection method: clinical testing. Allele origin: germline.
Comment: This sequence change replaces arginine, which is basic and polar, with histidine, which is basic and polar, at codon 1272 of the KMT2B protein (p.Arg1272His). The frequency data for this variant in the population databases is considered unreliable, as metrics indicate poor data quality at this position in the gnomAD database. This variant has not been reported in the literature in individuals affected with KMT2B-related conditions. ClinVar contains an entry for this variant (Variation ID: 1691637). Advanced modeling of protein sequence and biophysical properties (such as structural, functional, and spatial information, amino acid conservation, physicochemical variation, residue mobility, and thermodynamic stability) has been performed at Invitae for this missense variant, however the output from this modeling did not meet the statistical confidence thresholds required to predict the impact of this variant on KMT2B protein function. In summary, the available evidence is currently insufficient to determine the role of this variant in disease. Therefore, it has been classified as a Variant of Uncertain Significance.

GeneDx
Classification: Uncertain significance. Last evaluated: 2021-12-13. Review status: criteria provided, single submitter. Criteria: GeneDx Variant Classification Process June 2021. Collection method: clinical testing. Allele origin: germline. Affected: yes.
Comment: In silico analysis supports that this missense variant has a deleterious effect on protein structure/function; Has not been previously published as pathogenic or benign to our knowledge

NM_014727.3(KMT2B):c.3815G>A (p.Arg1272His)

Gene: KMT2B (lysine methyltransferase 2B; plus strand). Cytogenetic location: 19q13.12.
Variant type: single nucleotide variant.
Coding change: c.3815G>A on transcript NM_014727.3 (MANE Select); coding-DNA position 3815, G replaced by A.
Protein change: p.Arg1272His; replaces arginine 1272 with histidine.
Molecular consequence: missense variant.
Genome position (GRCh38, 1-based): chr19:35,725,748, G>A. VCF-style: chr19-35725748-G-A. GRCh37 (hg19) VCF-style: chr19-36216649-G-A.
Other names: short protein forms R1272H.
Identifiers: ClinVar variation 1691637 (VCV001691637.6), dbSNP rs764567889, ClinGen allele CA9384883.
Genomic context (GRCh38, chr19:35,725,748, plus strand): 5'-GCAGGTTTCGCCATCTCTGTCTCCACATCCAACAGCACCTCCTGGAGTGCGAGCGCTGCC[G>A]CCATGCATACCACCCGGCCTGTCTGGGGCCCAGCTATCCAACCCGGGCCACGCGCAAACG-3'
Protein context (NP_055542.1, residues 1262-1282): SKHLLECERC[Arg1272His]HAYHPACLGP